The following is an entry in ClinVar:

NM_000321.3(RB1):c.2398C>T (p.Pro800Ser)

Gene: RB1 (RB transcriptional corepressor 1; plus strand). Cytogenetic location: 13q14.2.
Variant type: single nucleotide variant.
Coding change: c.2398C>T on transcript NM_000321.3 (MANE Select); coding-DNA position 2398, C replaced by T.
Protein change: p.Pro800Ser; replaces proline 800 with serine.
Molecular consequence: missense variant.
Genome position (GRCh38, 1-based): chr13:48,465,277, C>T. VCF-style: chr13-48465277-C-T. GRCh37 (hg19) VCF-style: chr13-49039413-C-T.
Other names: c.2398C>T (NM_000321.2); short protein forms P800S.
Identifiers: ClinVar variation 1400218 (VCV001400218.11), dbSNP rs1949432999, ClinGen allele CA388167895.

ClinVar aggregate classification (germline): Uncertain significance. Review status: criteria provided, multiple submitters, no conflicts (2 of 4 stars). 3 submissions from 3 submitters: Uncertain significance (3). Last evaluated 2025-10-29.

Conditions:
Hereditary cancer-predisposing syndrome. Also called: Hereditary Cancer Syndrome; Hereditary neoplastic syndrome; Tumor predisposition; Neoplastic Syndromes, Hereditary. Identifiers: Orphanet 140162, MedGen C0027672, MeSH D009386, MONDO:0015356.
Retinoblastoma (RB1). Also called: RETINOBLASTOMA, SOMATIC. Identifiers: Orphanet 790, MedGen C0035335, MeSH D012175, MONDO:0008380, OMIM 180200, HP:0009919. Disease mechanism: loss of function. Inheritance: Both sporadic and heritable forms are tested..

gnomAD v4.1: 1 of 1,612,498 alleles (0.000062%); highest among the groups gnomAD compares: Non-Finnish European, 0.000085%; no homozygotes.

Submissions (3):

Labcorp Genetics (formerly Invitae), Labcorp
Classification: Uncertain significance for Retinoblastoma. Last evaluated: 2025-10-29. Review status: criteria provided, single submitter. Criteria: Invitae Variant Classification Sherloc (09022015). Collection method: clinical testing. Allele origin: germline.
Comment: This sequence change replaces proline, which is neutral and non-polar, with serine, which is neutral and polar, at codon 800 of the RB1 protein (p.Pro800Ser). This variant is not present in population databases (gnomAD no frequency). This variant has not been reported in the literature in individuals affected with RB1-related conditions. ClinVar contains an entry for this variant (Variation ID: 1400218). Invitae Evidence Modeling of protein sequence and biophysical properties (such as structural, functional, and spatial information, amino acid conservation, physicochemical variation, residue mobility, and thermodynamic stability) indicates that this missense variant is not expected to disrupt RB1 protein function with a negative predictive value of 80%. In summary, the available evidence is currently insufficient to determine the role of this variant in disease. Therefore, it has been classified as a Variant of Uncertain Significance.

Ambry Genetics
Classification: Uncertain significance for Hereditary cancer-predisposing syndrome. Last evaluated: 2024-11-20. Review status: criteria provided, single submitter. Criteria: Ambry Variant Classification Scheme 2023. Collection method: clinical testing. Allele origin: germline.
Comment: The p.P800S variant (also known as c.2398C>T), located in coding exon 23 of the RB1 gene, results from a C to T substitution at nucleotide position 2398. The proline at codon 800 is replaced by serine, an amino acid with similar properties. This amino acid position is conserved. In addition, the in silico prediction for this alteration is inconclusive. Based on the available evidence, the clinical significance of this variant remains unclear.

All of Us Research Program, National Institutes of Health
Classification: Uncertain significance for Retinoblastoma. Last evaluated: 2023-03-23. Review status: criteria provided, single submitter. Criteria: ACMG Guidelines, 2015. Collection method: clinical testing. Allele origin: germline. Inheritance: Autosomal dominant inheritance. Observed: 1 variant allele, 1 heterozygote.
Comment: This missense variant replaces proline with serine at codon 800 of the RB1 protein. Computational prediction is inconclusive regarding the impact of this variant on protein structure and function (internally defined REVEL score threshold 0.5 < inconclusive < 0.7, PMID: 27666373). To our knowledge, functional studies have not been reported for this variant. This variant has been reported to co-occur with RB1 c.380+1G>A in an individual affected with retinoblastoma (PMID: 34478740). This variant has not been identified in the general population by the Genome Aggregation Database (gnomAD). The available evidence is insufficient to determine the role of this variant in disease conclusively. Therefore, this variant is classified as a Variant of Uncertain Significance.

This study involves interpretation of variants in research participants for the purpose of population health screening. Participant phenotype was not available at the time of variant classification. Additional details can be found in publication PMID: 35346344, PMCID: PMC8962531

Literature cited by the submitters: PubMed 34478740 (cited by All of Us Research Program, National Institutes of Health).